The following is an entry in ClinVar:

ClinVar aggregate classification (germline): Benign/Likely benign. Review status: criteria provided, multiple submitters, no conflicts (2 of 4 stars). 11 submissions from 11 submitters: Benign (6); Likely benign (5). Last evaluated 2026-07-01.

Conditions:
Hereditary cancer-predisposing syndrome. Also called: Hereditary neoplastic syndrome; Neoplastic Syndromes, Hereditary; Hereditary Cancer Syndrome; Tumor predisposition. Identifiers: Orphanet 140162, MedGen C0027672, MeSH D009386, MONDO:0015356.
Tuberous sclerosis syndrome (TSC). Also called: Tuberous Sclerosis Complex; Tuberous sclerosis. Identifiers: Orphanet 805, MedGen C0041341, MONDO:0001734.
Tuberous sclerosis 1 (TSC1). Identifiers: Orphanet 805, MedGen C1854465, MONDO:0008612, OMIM 191100.
TSC1-related disorder. Also called: TSC1-related condition.

Allele frequency attached by ClinVar (database versions not stated): gnomAD exomes 0.00003 and 0.00006; ExAC 0.00004; gnomAD 0.00006; TOPMed 0.00006; ESP Exome Variant Server 0.00008.

Submissions (11):

CeGaT Center for Human Genetics Tuebingen
Classification: Likely benign. Last evaluated: 2026-07-01. Review status: criteria provided, single submitter. Criteria: CeGaT Center For Human Genetics Tuebingen Variant Classification Criteria Version 2. Collection method: clinical testing. Allele origin: germline. Affected: yes. Observed: 4 variant alleles.
Comment: TSC1: BP4, BP7

Labcorp Genetics (formerly Invitae), Labcorp
Classification: Benign for Tuberous sclerosis 1. Last evaluated: 2026-02-02. Review status: criteria provided, single submitter. Criteria: Invitae Variant Classification Sherloc (09022015). Collection method: clinical testing. Allele origin: germline.

PreventionGenetics, part of Exact Sciences
Classification: Likely benign for TSC1-related condition. Last evaluated: 2026-01-05. Review status: criteria provided, single submitter. Criteria: ACMG Guidelines, 2015. Collection method: clinical testing. Allele origin: germline.
Comment: This variant is classified as likely benign based on ACMG/AMP sequence variant interpretation guidelines (Richards et al. 2015 PMID: 25741868, with internal and published modifications).

Myriad Genetics, Inc.
Classification: Benign for Tuberous sclerosis 1. Last evaluated: 2025-04-08. Review status: criteria provided, single submitter. Criteria: Myriad Autosomal Dominant, Autosomal Recessive and X-Linked Classification Criteria (2023). Collection method: clinical testing. Allele origin: unknown.
Comment: This variant is considered benign. This variant is a silent/synonymous amino acid change and it is not expected to impact splicing.

Blueprint Genetics
Classification: Likely benign. Last evaluated: 2024-11-21. Review status: criteria provided, single submitter. Criteria: ACMG Guidelines, 2015. Collection method: clinical testing. Allele origin: germline.

KCCC/NGS Laboratory, Kuwait Cancer Control Center
Classification: Benign for Tuberous sclerosis 1. Last evaluated: 2023-07-07. Review status: criteria provided, single submitter. Criteria: ACMG Guidelines, 2015. Collection method: clinical testing. Allele origin: germline. Affected: yes.

Quest Diagnostics Nichols Institute San Juan Capistrano
Classification: Benign. Last evaluated: 2022-12-13. Review status: criteria provided, single submitter. Criteria: Quest Diagnostics criteria. Collection method: clinical testing. Allele origin: unknown.
Comment: The frequency of this variant in the general population is higher than would generally be expected for pathogenic variants in this gene. Computational tools yielded predictions that this variant is unlikely to have an effect on normal RNA splicing. This nucleotide position exhibits low evolutionary conservation.

Color Diagnostics, LLC DBA Color Health
Classification: Benign for Tuberous sclerosis syndrome. Last evaluated: 2022-05-19. Review status: criteria provided, single submitter. Criteria: ACMG Guidelines, 2015. Collection method: clinical testing. Allele origin: germline.

Genome-Nilou Lab
Classification: Benign for Tuberous sclerosis 1. Last evaluated: 2021-11-07. Review status: criteria provided, single submitter. Criteria: ACMG Guidelines, 2015. Collection method: clinical testing. Allele origin: germline. Affected: no.

GeneDx
Classification: Likely benign. Last evaluated: 2021-04-26. Review status: criteria provided, single submitter. Criteria: GeneDx Variant Classification Process June 2021. Collection method: clinical testing. Allele origin: germline. Affected: yes.

Ambry Genetics
Classification: Likely benign for Hereditary cancer-predisposing syndrome. Last evaluated: 2016-07-26. Review status: criteria provided, single submitter. Criteria: Ambry Variant Classification Scheme 2023. Collection method: clinical testing. Allele origin: germline.

NM_000368.5(TSC1):c.513C>T (p.His171=)

Gene: TSC1 (TSC complex subunit 1; minus strand). Cytogenetic location: 9q34.13.
Variant type: single nucleotide variant.
Coding change: c.513C>T on transcript NM_000368.5 (MANE Select); coding-DNA position 513, C replaced by T.
Protein change: p.His171=; no amino-acid change (histidine 171 retained).
Molecular consequence: synonymous variant.
Genome position (GRCh38, 1-based): chr9:132,921,969, G>A on the plus strand (C>T on the coding strand, the complement: TSC1 is on the minus strand). VCF-style: chr9-132921969-G-A. GRCh37 (hg19) VCF-style: chr9-135797356-G-A.
Other names: c.513C>T, p.His171= (NM_001162426.2); c.360C>T, p.His120= (NM_001162427.2); c.150C>T, p.His50= (NM_001362177.2).
Identifiers: ClinVar variation 416660 (VCV000416660.47), dbSNP rs377196837, ClinGen allele CA037915.